The following is an entry in ClinVar:

NM_001198800.3(ASCC1):c.329G>A (p.Arg110Gln)

Gene: ASCC1 (activating signal cointegrator 1 complex subunit 1; minus strand). Cytogenetic location: 10q22.1.
Variant type: single nucleotide variant.
Coding change: c.329G>A on transcript NM_001198800.3 (MANE Select); coding-DNA position 329, G replaced by A.
Protein change: p.Arg110Gln; replaces arginine 110 with glutamine.
Molecular consequence: missense variant. On other transcripts: non-coding transcript variant (1).
Genome position (GRCh38, 1-based): chr10:72,196,971, C>T on the plus strand (G>A on the coding strand, the complement: ASCC1 is on the minus strand). VCF-style: chr10-72196971-C-T. GRCh37 (hg19) VCF-style: chr10-73956729-C-T.
Other names: c.329G>A, p.Arg110Gln (NM_001198798.2, NM_001369087.1, NM_001369088.1 and 18 more transcripts); c.413G>A, p.Arg138Gln (NM_001198799.3); c.395G>A, p.Arg132Gln (NM_001369085.1, NM_001369086.1, NM_001369099.1); c.212G>A, p.Arg71Gln (NM_001369101.1, NM_001369102.1, NM_001369105.1 and 2 more transcripts); short protein forms R138Q, R71Q, R110Q, R132Q.
Identifiers: ClinVar variation 2053441 (VCV002053441.1), dbSNP rs555612625, ClinGen allele CA5549037.
Genomic context (GRCh38, chr10:72,196,971, plus strand): 5'-TTTCTTCGAAAAGTGTCCAAAAGAACATCAATCCGTGTTCGGGCTGAAATTACACCATTT[C>T]GATGCTGGCCAGTGATTACTGTAAACAAAGAAGAAAGGGTAAACTGCTCAAGGACCCCCA-3'
Protein context (NP_001185729.1, residues 100-120): DGEIVITGQH[Arg110Gln]NGVISARTRI

ClinVar aggregate classification (germline): Uncertain significance (1 of 4 stars; one submission).

Allele frequency attached by ClinVar (database versions not stated): ExAC 0.00005; TOPMed 0.00008; gnomAD 0.00009; 1000 Genomes Project 0.00020; 1000 Genomes Project 30x 0.00031.
gnomAD v4.1: 126 of 1,613,542 alleles (0.0078%); highest among the groups gnomAD compares: Admixed American, 0.0067%; no homozygotes.

Submission:

Labcorp Genetics (formerly Invitae), Labcorp
Classification: Uncertain significance. Last evaluated: 2022-02-25. Review status: criteria provided, single submitter. Criteria: Invitae Variant Classification Sherloc (09022015). Collection method: clinical testing. Allele origin: germline.
Comment: This sequence change replaces arginine, which is basic and polar, with glutamine, which is neutral and polar, at codon 110 of the ASCC1 protein (p.Arg110Gln). This variant is present in population databases (rs555612625, gnomAD 0.2%). This variant has not been reported in the literature in individuals affected with ASCC1-related conditions. Algorithms developed to predict the effect of missense changes on protein structure and function are either unavailable or do not agree on the potential impact of this missense change (SIFT: "Tolerated"; PolyPhen-2: "Possibly Damaging"; Align-GVGD: "Class C0"). In summary, the available evidence is currently insufficient to determine the role of this variant in disease. Therefore, it has been classified as a Variant of Uncertain Significance.